The following is an entry in ClinVar:

NM_001036.6(RYR3):c.7399G>A (p.Glu2467Lys)

Gene: RYR3 (ryanodine receptor 3; plus strand). Cytogenetic location: 15q14.
Variant type: single nucleotide variant.
Coding change: c.7399G>A on transcript NM_001036.6 (MANE Select); coding-DNA position 7399, G replaced by A.
Protein change: p.Glu2467Lys; replaces glutamic acid 2467 with lysine.
Molecular consequence: missense variant.
Genome position (GRCh38, 1-based): chr15:33,731,669, G>A. VCF-style: chr15-33731669-G-A. GRCh37 (hg19) VCF-style: chr15-34023870-G-A.
Other names: c.7399G>A, p.Glu2467Lys (NM_001243996.4); short protein forms E2467K.
Identifiers: ClinVar variation 530989 (VCV000530989.8), dbSNP rs765011115, ClinGen allele CA7459856.

ClinVar aggregate classification (germline): Uncertain significance (1 of 4 stars; one submission).

Conditions:
Epileptic encephalopathy. Identifiers: MedGen C0543888, HP:0200134.

Allele frequency attached by ClinVar (database versions not stated): ExAC 0.00001; gnomAD exomes below 0.00001.
gnomAD v4.1: 1 of 1,612,590 alleles (0.000062%); highest among the groups gnomAD compares: South Asian, 0.0011%; no homozygotes.

Submission:

Labcorp Genetics (formerly Invitae), Labcorp
Classification: Uncertain significance for Epileptic encephalopathy. Last evaluated: 2017-08-03. Review status: criteria provided, single submitter. Criteria: Invitae Variant Classification Sherloc (09022015). Collection method: clinical testing. Allele origin: germline.
Comment: In summary, the available evidence is currently insufficient to determine the role of this variant in disease. Therefore, it has been classified as a Variant of Uncertain Significance. Algorithms developed to predict the effect of missense changes on protein structure and function do not agree on the potential impact of this missense change (SIFT: "Deleterious"; PolyPhen-2: "Probably Damaging"; Align-GVGD: "Class C15"). This variant has not been reported in the literature in individuals with RYR3-related disease. This variant is present in population databases (rs765011115, ExAC 0.007%). This sequence change replaces glutamic acid with lysine at codon 2467 of the RYR3 protein (p.Glu2467Lys). The glutamic acid residue is highly conserved and there is a small physicochemical difference between glutamic acid and lysine.